The following is an entry in ClinVar:

NM_005273.4(GNB2):c.838C>A (p.Arg280Ser)

Gene: GNB2 (G protein subunit beta 2; plus strand). Cytogenetic location: 7q22.1.
Variant type: single nucleotide variant.
Coding change: c.838C>A on transcript NM_005273.4 (MANE Select); coding-DNA position 838, C replaced by A.
Protein change: p.Arg280Ser; replaces arginine 280 with serine.
Molecular consequence: missense variant.
Genome position (GRCh38, 1-based): chr7:100,678,536, C>A. VCF-style: chr7-100678536-C-A. GRCh37 (hg19) VCF-style: chr7-100276159-C-A.
Other names: short protein forms R280S.
Identifiers: ClinVar variation 4854467 (VCV004854467.1).

ClinVar aggregate classification (germline): Uncertain significance (1 of 4 stars; one submission).

Conditions:
Neurodevelopmental disorder with hypotonia and dysmorphic facies. Identifiers: MedGen C5561974, MONDO:0859185, OMIM 619503.

Submission:

3billion
Classification: Uncertain significance for Neurodevelopmental disorder with hypotonia and dysmorphic facies. Last evaluated: 2025-09-19. Review status: criteria provided, single submitter. Criteria: ACMG Guidelines, 2015. Collection method: clinical testing. Allele origin: germline. Affected: yes.
Comment: The variant is not observed in the gnomAD v4.1.0 dataset. Predicted Consequence/Location: Missense variant. Missense changes are a common disease-causing mechanism. Damaging effect on gene or gene product predicted by in silico programs is uncertain [REVEL: 0.21 (damaging >=0.6, benign <0.4), 3Cnet: 0.13 (damaging >0.75, benign <0.1)]. Therefore, this variant is classified as VUS according to the recommendation of ACMG/AMP guideline.